The following is an entry in ClinVar:

NM_001376.5(DYNC1H1):c.6584A>G (p.Asp2195Gly)

Gene: DYNC1H1 (dynein cytoplasmic 1 heavy chain 1; plus strand). Cytogenetic location: 14q32.31.
Variant type: single nucleotide variant.
Coding change: c.6584A>G on transcript NM_001376.5 (MANE Select); coding-DNA position 6584, A replaced by G.
Protein change: p.Asp2195Gly; replaces aspartic acid 2195 with glycine.
Molecular consequence: missense variant.
Genome position (GRCh38, 1-based): chr14:102,010,918, A>G. VCF-style: chr14-102010918-A-G. GRCh37 (hg19) VCF-style: chr14-102477255-A-G.
Other names: short protein forms D2195G.
Identifiers: ClinVar variation 3383858 (VCV003383858.1).

ClinVar aggregate classification (germline): Uncertain significance (1 of 4 stars; one submission).

gnomAD v4.1: 2 of 1,614,210 alleles (0.00012%); highest among the groups gnomAD compares: Admixed American, 0.0033%; no homozygotes.

Submission:

GeneDx
Classification: Uncertain significance. Last evaluated: 2024-05-31. Review status: criteria provided, single submitter. Criteria: GeneDx Variant Classification Process June 2021. Collection method: clinical testing. Allele origin: germline. Affected: yes.
Comment: In silico analysis supports that this missense variant has a deleterious effect on protein structure/function; Has not been previously published as pathogenic or benign to our knowledge; This variant is associated with the following publications: (PMID: 25512093, 25609763, 26100331)